The following is an entry in ClinVar:

ClinVar aggregate classification (germline): Likely benign (0 of 4 stars; one submission).

Conditions:
DMBT1-related disorder. Also called: DMBT1-related condition.

Allele frequency attached by ClinVar (database versions not stated): 1000 Genomes Project 30x 0.00094; 1000 Genomes Project 0.00100; ExAC 0.00135; gnomAD 0.00168; TOPMed 0.00202; gnomAD exomes 0.00203; ESP Exome Variant Server 0.00224.
gnomAD v4.1: 3,306 of 1,613,176 alleles (0.2%); highest among the groups gnomAD compares: Non-Finnish European, 0.24%; 6 homozygotes.

Submission:

PreventionGenetics, part of Exact Sciences
Classification: Likely benign for DMBT1-related condition. Last evaluated: 2022-10-31. Review status: no assertion criteria provided. Collection method: clinical testing. Allele origin: germline.
Comment: This variant is classified as likely benign based on ACMG/AMP sequence variant interpretation guidelines (Richards et al. 2015 PMID: 25741868, with internal and published modifications).

NM_001377530.1(DMBT1):c.194C>T (p.Pro65Leu)

Gene: DMBT1 (deleted in malignant brain tumors 1; plus strand). Cytogenetic location: 10q26.13.
Variant type: single nucleotide variant.
Coding change: c.194C>T on transcript NM_001377530.1 (MANE Select); coding-DNA position 194, C replaced by T.
Protein change: p.Pro65Leu; replaces proline 65 with leucine.
Molecular consequence: missense variant.
Genome position (GRCh38, 1-based): chr10:122,572,320, C>T. VCF-style: chr10-122572320-C-T. GRCh37 (hg19) VCF-style: chr10-124331836-C-T.
Other names: c.194C>T, p.Pro65Leu (NM_001320644.2, NM_004406.3, NM_007329.3 and 1 more transcripts); short protein forms P65L.
Identifiers: ClinVar variation 3038002 (VCV003038002.2), dbSNP rs185045706, ClinGen allele CA5726319.